The following is an entry in ClinVar:

ClinVar aggregate classification (germline): Benign/Likely benign. Review status: criteria provided, multiple submitters, no conflicts (2 of 4 stars). 9 submissions from 9 submitters: Benign (3); Likely benign (6). Last evaluated 2026-04-03.

Conditions:
Ehlers-Danlos syndrome (EDS). Identifiers: Orphanet 98249, MedGen C0013720, MONDO:0020066.
Familial thoracic aortic aneurysm and aortic dissection (TAAD). Also called: Thoracic aortic aneurysms and dissections. Identifiers: Orphanet 91387, MedGen C4707243, MONDO:0019625.
Congenital contractural arachnodactyly (CCA). Also called: Arthrogryposis, distal, type 9; Beals-Hecht syndrome; BEALS SYNDROME. Identifiers: Orphanet 115, MedGen C0220668, MONDO:0007363, OMIM 121050.

Allele frequency attached by ClinVar (database versions not stated): ESP Exome Variant Server 0.00054; TOPMed 0.00097; gnomAD 0.00100 and 0.00102; 1000 Genomes Project 30x 0.00141; 1000 Genomes Project 0.00160.
gnomAD v4.1: 458 of 1,614,118 alleles (0.028%); highest among the groups gnomAD compares: African/African-American, 0.33%; 1 homozygote.

Submissions (9):

Women's Health and Genetics/Laboratory Corporation of America, LabCorp
Classification: Likely benign. Last evaluated: 2026-04-03. Review status: criteria provided, single submitter. Criteria: LabCorp Variant Classification Summary - May 2015. Collection method: clinical testing. Allele origin: germline.

Labcorp Genetics (formerly Invitae), Labcorp
Classification: Benign for Congenital contractural arachnodactyly. Last evaluated: 2026-01-26. Review status: criteria provided, single submitter. Criteria: Invitae Variant Classification Sherloc (09022015). Collection method: clinical testing. Allele origin: germline.

Blueprint Genetics
Classification: Likely benign. Last evaluated: 2024-10-14. Review status: criteria provided, single submitter. Criteria: ACMG Guidelines, 2015. Collection method: clinical testing. Allele origin: germline.

ARUP Laboratories, Molecular Genetics and Genomics, ARUP Laboratories
Classification: Likely benign. Last evaluated: 2023-06-01. Review status: criteria provided, single submitter. Criteria: ARUP Molecular Germline Variant Investigation Process 2024. Collection method: clinical testing. Allele origin: germline.

Genome Diagnostics Laboratory, The Hospital for Sick Children
Classification: Likely benign for Ehlers-Danlos syndrome. Last evaluated: 2019-06-01. Review status: criteria provided, single submitter. Criteria: ACMG Guidelines, 2015. Collection method: clinical testing. Allele origin: germline.

Illumina Laboratory Services, Illumina
Classification: Benign for Congenital contractural arachnodactyly. Last evaluated: 2018-01-13. Review status: criteria provided, single submitter. Criteria: ICSL Variant Classification Criteria 13 December 2019. Collection method: clinical testing. Allele origin: germline.
Comment: This variant was observed in the ICSL laboratory as part of a predisposition screen in an ostensibly healthy population. It had not been previously curated by ICSL or reported in the Human Gene Mutation Database (HGMD: prior to June 1st, 2018), and was therefore a candidate for classification through an automated scoring system. Utilizing variant allele frequency, disease prevalence and penetrance estimates, and inheritance mode, an automated score was calculated to assess if this variant is too frequent to cause the disease. Based on the score and internal cut-off values, a variant classified as benign is not then subjected to further curation. The score for this variant resulted in a classification of benign for this disease.

GeneDx
Classification: Benign. Last evaluated: 2017-08-09. Review status: criteria provided, single submitter. Criteria: GeneDx Variant Classification (06012015). Collection method: clinical testing. Allele origin: germline. Affected: yes.
Comment: This variant is considered likely benign or benign based on one or more of the following criteria: it is a conservative change, it occurs at a poorly conserved position in the protein, it is predicted to be benign by multiple in silico algorithms, and/or has population frequency not consistent with disease.

Ambry Genetics
Classification: Likely benign for Familial thoracic aortic aneurysm and aortic dissection. Last evaluated: 2015-03-02. Review status: criteria provided, single submitter. Criteria: Ambry Variant Classification Scheme 2023. Collection method: clinical testing. Allele origin: germline.

Breakthrough Genomics
Classification: Likely benign. Review status: criteria provided, single submitter. Criteria: ACMG Guidelines, 2015. Collection method: not provided. Allele origin: germline. Inheritance: Autosomal dominant inheritance. Affected: yes.

NM_001999.4(FBN2):c.3144C>T (p.Tyr1048=)

Genes: FBN2 (fibrillin 2; minus strand), LOC126807501 (BRD4-independent group 4 enhancer GRCh37_chr5:127680731-127681930; plus strand). Cytogenetic location: 5q23.3.
Variant type: single nucleotide variant.
Coding change: c.3144C>T on transcript NM_001999.4 (MANE Select); coding-DNA position 3144, C replaced by T.
Protein change: p.Tyr1048=; no amino-acid change (tyrosine 1048 retained).
Molecular consequence: synonymous variant.
Genome position (GRCh38, 1-based): chr5:128,345,430, G>A on the plus strand (C>T on the coding strand, the complement: FBN2 is on the minus strand). VCF-style: chr5-128345430-G-A. GRCh37 (hg19) VCF-style: chr5-127681122-G-A.
Identifiers: ClinVar variation 263905 (VCV000263905.32), dbSNP rs1801167, ClinGen allele CA3395318.